The following is an entry in ClinVar:

ClinVar aggregate classification (germline): Conflicting classifications of pathogenicity. Review status: criteria provided, conflicting classifications (1 of 4 stars). 4 submissions from 4 submitters: Uncertain significance (1); Benign (1); Likely benign (2). Last evaluated 2024-08-30.

Conditions:
Hereditary cancer-predisposing syndrome. Also called: Neoplastic Syndromes, Hereditary; Hereditary neoplastic syndrome; Hereditary Cancer Syndrome; Tumor predisposition. Identifiers: Orphanet 140162, MedGen C0027672, MeSH D009386, MONDO:0015356.
Familial cancer of breast. Also called: hereditary breast carcinoma; Hereditary breast cancer; BREAST CANCER, FAMILIAL. Identifiers: Orphanet 227535, MedGen C0346153, MONDO:0016419, OMIM 114480. Disease mechanism: loss of function.
Fanconi anemia complementation group J. Also called: BRIP1-Related Fanconi Anemia. Identifiers: Orphanet 84, MedGen C1836860, MONDO:0012187, OMIM 609054.

Submissions (4):

Myriad Genetics, Inc.
Classification: Benign for Familial cancer of breast. Last evaluated: 2024-08-30. Review status: criteria provided, single submitter. Criteria: Myriad Autosomal Dominant, Autosomal Recessive and X-Linked Classification Criteria (2023). Collection method: clinical testing. Allele origin: unknown.
Comment: This variant is considered benign. This variant is a silent/synonymous amino acid change and it is not expected to impact splicing.

Labcorp Genetics (formerly Invitae), Labcorp
Classification: Likely benign for Familial cancer of breast; Fanconi anemia complementation group J. Last evaluated: 2024-06-28. Review status: criteria provided, single submitter. Criteria: Invitae Variant Classification Sherloc (09022015). Collection method: clinical testing. Allele origin: germline.

Ambry Genetics
Classification: Likely benign for Hereditary cancer-predisposing syndrome. Last evaluated: 2023-03-31. Review status: criteria provided, single submitter. Criteria: Ambry Variant Classification Scheme 2023. Collection method: clinical testing. Allele origin: germline.

Quest Diagnostics Nichols Institute San Juan Capistrano
Classification: Uncertain significance. Last evaluated: 2020-08-06. Review status: criteria provided, single submitter. Criteria: Quest Diagnostics criteria. Collection method: clinical testing. Allele origin: unknown.

NM_032043.3(BRIP1):c.1896T>C (p.Thr632=)

Gene: BRIP1 (BRCA1 interacting DNA helicase 1; minus strand). Cytogenetic location: 17q23.2.
Variant type: single nucleotide variant.
Coding change: c.1896T>C on transcript NM_032043.3 (MANE Select); coding-DNA position 1896, T replaced by C.
Protein change: p.Thr632=; no amino-acid change (threonine 632 retained).
Molecular consequence: synonymous variant.
Genome position (GRCh38, 1-based): chr17:61,780,300, A>G on the plus strand (T>C on the coding strand, the complement: BRIP1 is on the minus strand). VCF-style: chr17-61780300-A-G. GRCh37 (hg19) VCF-style: chr17-59857661-A-G.
Identifiers: ClinVar variation 993056 (VCV000993056.7), dbSNP rs2077595308, ClinGen allele CA501150320.